The following is an entry in ClinVar:

ClinVar aggregate classification (germline): Uncertain significance. Review status: criteria provided, multiple submitters, no conflicts (2 of 4 stars). 2 submissions from 2 submitters: Uncertain significance (2). Last evaluated 2024-06-16.

Conditions:
Inborn genetic diseases. Identifiers: MedGen C0950123, MeSH D030342.

Allele frequency attached by ClinVar (database versions not stated): gnomAD 0.00001; gnomAD exomes 0.00001 and 0.00002; TOPMed 0.00001.

Submissions (2):

Ambry Genetics
Classification: Uncertain significance for Inborn genetic diseases. Last evaluated: 2024-06-16. Review status: criteria provided, single submitter. Criteria: Ambry Variant Classification Scheme 2023. Collection method: clinical testing. Allele origin: germline.

Labcorp Genetics (formerly Invitae), Labcorp
Classification: Uncertain significance. Last evaluated: 2022-05-17. Review status: criteria provided, single submitter. Criteria: Invitae Variant Classification Sherloc (09022015). Collection method: clinical testing. Allele origin: germline.
Comment: This sequence change replaces arginine, which is basic and polar, with glutamine, which is neutral and polar, at codon 701 of the TUBGCP6 protein (p.Arg701Gln). This variant is present in population databases (no rsID available, gnomAD 0.004%). This variant has not been reported in the literature in individuals affected with TUBGCP6-related conditions. Algorithms developed to predict the effect of missense changes on protein structure and function output the following: SIFT: "Tolerated"; PolyPhen-2: "Possibly Damaging"; Align-GVGD: "Class C0". The glutamine amino acid residue is found in multiple mammalian species, which suggests that this missense change does not adversely affect protein function. In summary, the available evidence is currently insufficient to determine the role of this variant in disease. Therefore, it has been classified as a Variant of Uncertain Significance.

NM_020461.4(TUBGCP6):c.2102G>A (p.Arg701Gln)

Gene: TUBGCP6 (tubulin gamma complex component 6; minus strand). Cytogenetic location: 22q13.33.
Variant type: single nucleotide variant.
Coding change: c.2102G>A on transcript NM_020461.4 (MANE Select); coding-DNA position 2102, G replaced by A.
Protein change: p.Arg701Gln; replaces arginine 701 with glutamine.
Molecular consequence: missense variant.
Genome position (GRCh38, 1-based): chr22:50,224,384, C>T on the plus strand (G>A on the coding strand, the complement: TUBGCP6 is on the minus strand). VCF-style: chr22-50224384-C-T. GRCh37 (hg19) VCF-style: chr22-50662813-C-T.
Other names: c.2102G>A (NM_020461.3); short protein forms R701Q.
Identifiers: ClinVar variation 1524323 (VCV001524323.4), dbSNP rs1428508613, ClinGen allele CA412103081.